The following is an entry in ClinVar:

ClinVar aggregate classification (germline): Uncertain significance (1 of 4 stars; one submission).

Conditions:
Nemaline myopathy 6 (NEM6). Also called: Nemaline myopathy 6, autosomal dominant. Identifiers: Orphanet 171439, MedGen C1836472, MONDO:0012237, OMIM 609273.

Submission:

Labcorp Genetics (formerly Invitae), Labcorp
Classification: Uncertain significance for Nemaline myopathy 6. Last evaluated: 2025-02-11. Review status: criteria provided, single submitter. Criteria: Invitae Variant Classification Sherloc (09022015). Collection method: clinical testing. Allele origin: germline.
Comment: This sequence change replaces glycine, which is neutral and non-polar, with arginine, which is basic and polar, at codon 419 of the KBTBD13 protein (p.Gly419Arg). This variant is not present in population databases (gnomAD no frequency). This variant has not been reported in the literature in individuals affected with KBTBD13-related conditions. An algorithm developed to predict the effect of missense changes on protein structure and function (PolyPhen-2) suggests that this variant is likely to be tolerated. In summary, the available evidence is currently insufficient to determine the role of this variant in disease. Therefore, it has been classified as a Variant of Uncertain Significance.

NM_001101362.3(KBTBD13):c.1255G>C (p.Gly419Arg)

Gene: KBTBD13 (kelch repeat and BTB domain containing 13; plus strand). Cytogenetic location: 15q22.31.
Variant type: single nucleotide variant.
Coding change: c.1255G>C on transcript NM_001101362.3 (MANE Select); coding-DNA position 1255, G replaced by C.
Protein change: p.Gly419Arg; replaces glycine 419 with arginine.
Molecular consequence: missense variant.
Genome position (GRCh38, 1-based): chr15:65,078,070, G>C. VCF-style: chr15-65078070-G-C. GRCh37 (hg19) VCF-style: chr15-65370408-G-C.
Other names: short protein forms G419R.
Identifiers: ClinVar variation 4691780 (VCV004691780.1).